The following is an entry in ClinVar:

ClinVar aggregate classification (germline): Pathogenic (1 of 4 stars; one submission).

Conditions:
Developmental and epileptic encephalopathy 94 (DEE94). Also called: CHD2-Related Neurodevelopmental Disorders; Epileptic encephalopathy, childhood-onset. Identifiers: Orphanet 1942, Orphanet 2382, MedGen C3809278, MONDO:0014150, OMIM 615369.

Submission:

Foundation for Research in Genetics and Endocrinology, FRIGE's Institute of Human Genetics
Classification: Pathogenic for Developmental and epileptic encephalopathy 94. Last evaluated: 2022-08-05. Review status: criteria provided, single submitter. Criteria: ACMG Guidelines, 2015. Collection method: clinical testing. Allele origin: germline. Inheritance: Autosomal dominant inheritance. Affected: yes.
Comment: A heterozygous missense variation in exon 18 of the CDH1 gene that results in a frameshift and premature truncation of the protein 49 amino acids downstream to codon 775 was detected. The observed variant c.2323_2327del (p.Glu775GlyfsTer49) has not been reported in the 1000 genomes and gnomAD databases. The in silico prediction of the variant is benign by PolyPhen-2 (HumDiv), SIFT and MutationTaster2. The reference codon is conserved across mammals. In summary, the variant meets our criteria to be classified as a variant of pathogenic.

NM_001271.4(CHD2):c.2324_2328del (p.Glu775fs)

Gene: CHD2 (chromodomain helicase DNA binding protein 2; plus strand). Cytogenetic location: 15q26.1.
Variant type: Deletion.
Coding change: c.2324_2328del on transcript NM_001271.4 (MANE Select); coding-DNA positions 2324 to 2328, 5 bases deleted (AAAGG; older notation c.2324_2328delAAAGG).
Protein change: p.Glu775fs; shifts the reading frame from glutamic acid 775.
Molecular consequence: frameshift variant.
Genome position (GRCh38, 1-based): chr15:92,971,899-92,971,903, AAAGG deleted; deleting any 5 consecutive bases within chr15:92,971,898-92,971,903 gives the same sequence; the c. name uses the placement nearest the transcript's 3' end. VCF-style (leftmost placement, unchanged base first): chr15-92971897-TGAAAG-T. GRCh37 (hg19) VCF-style: chr15-93515127-TGAAAG-T.
Other names: c.2323_2327del (NM_001271.4); short protein forms E775fs.
Identifiers: ClinVar variation 1707600 (VCV001707600.3), dbSNP rs2505526595, ClinGen allele CA2580090353.